The following is an entry in ClinVar:

NM_004336.5(BUB1):c.416A>G (p.Gln139Arg)

Gene: BUB1 (BUB1 mitotic checkpoint serine/threonine kinase; minus strand). Cytogenetic location: 2q13.
Variant type: single nucleotide variant.
Coding change: c.416A>G on transcript NM_004336.5 (MANE Select); coding-DNA position 416, A replaced by G.
Protein change: p.Gln139Arg; replaces glutamine 139 with arginine.
Molecular consequence: missense variant.
Genome position (GRCh38, 1-based): chr2:110,672,667, T>C on the plus strand (A>G on the coding strand, the complement: BUB1 is on the minus strand). VCF-style: chr2-110672667-T-C. GRCh37 (hg19) VCF-style: chr2-111430244-T-C.
Other names: c.356A>G, p.Gln119Arg (NM_001278616.2); c.416A>G, p.Gln139Arg (NM_001278617.2); short protein forms Q139R, Q119R.
Identifiers: ClinVar variation 4723956 (VCV004723956.1).

ClinVar aggregate classification (germline): Uncertain significance (1 of 4 stars; one submission).

gnomAD v4.1: 6 of 1,586,370 alleles (0.00038%); highest among the groups gnomAD compares: Non-Finnish European, 0.00051%; no homozygotes.

Submission:

Labcorp Genetics (formerly Invitae), Labcorp
Classification: Uncertain significance. Last evaluated: 2025-07-24. Review status: criteria provided, single submitter. Criteria: Invitae Variant Classification Sherloc (09022015). Collection method: clinical testing. Allele origin: germline.
Comment: This sequence change replaces glutamine, which is neutral and polar, with arginine, which is basic and polar, at codon 139 of the BUB1 protein (p.Gln139Arg). This variant is not present in population databases (gnomAD no frequency). This variant has not been reported in the literature in individuals affected with BUB1-related conditions. Experimental studies and prediction algorithms are not available or were not evaluated, and the functional significance of this variant is currently unknown. In summary, the available evidence is currently insufficient to determine the role of this variant in disease. Therefore, it has been classified as a Variant of Uncertain Significance.